The following is an entry in ClinVar:

NM_015072.5(TTLL5):c.525dup (p.Pro176fs)

Gene: TTLL5 (tubulin tyrosine ligase like 5; plus strand). Cytogenetic location: 14q24.3.
Variant type: Duplication.
Coding change: c.525dup on transcript NM_015072.5 (MANE Select); coding-DNA position 525, one base duplicated (A; older notation c.525dupA).
Protein change: p.Pro176fs; shifts the reading frame from proline 176.
Molecular consequence: frameshift variant.
Genome position (GRCh38, 1-based): chr14:75,699,210, A duplicated. VCF-style (leftmost placement, unchanged base first): chr14-75699209-G-GA. GRCh37 (hg19) VCF-style: chr14-76165552-G-GA.
Other names: short protein forms P176fs.
Identifiers: ClinVar variation 2178853 (VCV002178853.4), dbSNP rs2503009266, ClinGen allele CA2580088758.

ClinVar aggregate classification (germline): Pathogenic (1 of 4 stars; one submission).

Submission:

Labcorp Genetics (formerly Invitae), Labcorp
Classification: Pathogenic. Last evaluated: 2024-11-11. Review status: criteria provided, single submitter. Criteria: Invitae Variant Classification Sherloc (09022015). Collection method: clinical testing. Allele origin: germline.
Comment: This sequence change creates a premature translational stop signal (p.Pro176Thrfs*37) in the TTLL5 gene. It is expected to result in an absent or disrupted protein product. Loss-of-function variants in TTLL5 are known to be pathogenic (PMID: 24791901, 27162334). This variant is not present in population databases (gnomAD no frequency). This variant has not been reported in the literature in individuals affected with TTLL5-related conditions. ClinVar contains an entry for this variant (Variation ID: 2178853). For these reasons, this variant has been classified as Pathogenic.

Literature cited by the submitters: PubMed 24791901; PubMed 27162334.